The following is an entry in ClinVar:

NC_000012.11:g.(?_862732)_(1017958_?)del

Gene: WNK1 (WNK lysine deficient protein kinase 1; plus strand). Cytogenetic location: 12p13.33.
Variant type: Deletion.
Identifiers: ClinVar variation 3244327 (VCV003244327.1).

ClinVar aggregate classification (germline): Pathogenic (1 of 4 stars; one submission).

Conditions:
Pseudohypoaldosteronism type 2C (PHA2C). Also called: Pseudohypoaldosteronism Type IIC. Identifiers: Orphanet 757, Orphanet 88940, MedGen C1840391, MONDO:0013778, OMIM 614492.
Neuropathy, hereditary sensory and autonomic, type 2A (HSAN2A). Also called: ACROOSTEOLYSIS, GIACCAI TYPE; ACROOSTEOLYSIS, NEUROGENIC; MORVAN DISEASE; NEUROPATHY, CONGENITAL SENSORY; NEUROPATHY, HEREDITARY SENSORY RADICULAR, AUTOSOMAL RECESSIVE; NEUROPATHY, HEREDITARY SENSORY, TYPE IIA. Identifiers: Orphanet 970, MedGen C2752089, MONDO:0024309, OMIM 201300.

Submission:

Labcorp Genetics (formerly Invitae), Labcorp
Classification: Pathogenic for Neuropathy, hereditary sensory and autonomic, type 2A; Pseudohypoaldosteronism type 2C. Last evaluated: 2023-01-31. Review status: criteria provided, single submitter. Criteria: Invitae Variant Classification Sherloc (09022015). Collection method: clinical testing. Allele origin: unknown.
Comment: A gross deletion of the genomic region encompassing the full coding sequence of the WNK1 gene has been identified. Loss-of-function variants in WNK1 are known to be pathogenic (PMID: 22910560). The boundaries of this event are unknown as they extend beyond the assayed region for this gene and therefore may encompass additional genes. For these reasons, this variant has been classified as Pathogenic. A similar copy number variant has been observed in individual(s) with autosomal recessive hereditary sensory and autonomic neuropathy (PMID: 31132985).

Literature cited by the submitters: PubMed 22910560; PubMed 31132985.